The following is an entry in ClinVar:

NM_000038.6(APC):c.2238C>T (p.Gly746=)

Gene: APC (APC regulator of Wnt signaling pathway; plus strand). Cytogenetic location: 5q22.2.
Variant type: single nucleotide variant.
Coding change: c.2238C>T on transcript NM_000038.6 (MANE Select); coding-DNA position 2238, C replaced by T.
Protein change: p.Gly746=; no amino-acid change (glycine 746 retained).
Molecular consequence: synonymous variant.
Genome position (GRCh38, 1-based): chr5:112,837,832, C>T. VCF-style: chr5-112837832-C-T. GRCh37 (hg19) VCF-style: chr5-112173529-C-T.
Other names: c.2238C>T, p.Gly746= (NM_001127510.3, NM_001354895.2); c.2184C>T, p.Gly728= (NM_001127511.3); c.2292C>T, p.Gly764= (NM_001354896.2); c.2268C>T, p.Gly756= (NM_001354897.2); c.2163C>T, p.Gly721= (NM_001354898.2); c.2154C>T, p.Gly718= (NM_001354899.2); c.2115C>T, p.Gly705= (NM_001354900.2); c.2061C>T, p.Gly687= (NM_001354901.2); and 5 more.
Identifiers: ClinVar variation 1152606 (VCV001152606.14), dbSNP rs1304466462, ClinGen allele CA445963266.

ClinVar aggregate classification (germline): Benign/Likely benign. Review status: criteria provided, multiple submitters, no conflicts (2 of 4 stars). 4 submissions from 4 submitters: Benign (1); Likely benign (2). 1 of the submissions does not count toward it. Last evaluated 2024-03-11.

Conditions:
Hereditary cancer-predisposing syndrome. Also called: Tumor predisposition; Neoplastic Syndromes, Hereditary; Hereditary neoplastic syndrome; Hereditary Cancer Syndrome. Identifiers: Orphanet 140162, MedGen C0027672, MeSH D009386, MONDO:0015356.
APC-related disorder. Also called: APC-related condition.
Familial adenomatous polyposis 1 (FAP1). Also called: FAMILIAL ADENOMATOUS POLYPOSIS 1, ATTENUATED; POLYPOSIS, ADENOMATOUS INTESTINAL. Identifiers: MedGen C2713442, MONDO:0021056, OMIM 175100. Disease mechanism: loss of function.

Allele frequency attached by ClinVar (database versions not stated): gnomAD exomes below 0.00001.
gnomAD v4.1: 1 of 1,613,970 alleles (0.000062%); highest among the groups gnomAD compares: South Asian, 0.0011%; no homozygotes.

Submissions (4):

Myriad Genetics, Inc.
Classification: Benign for Familial adenomatous polyposis 1. Last evaluated: 2024-03-11. Review status: criteria provided, single submitter. Criteria: Myriad Autosomal Dominant, Autosomal Recessive and X-Linked Classification Criteria (2023). Collection method: clinical testing. Allele origin: unknown.
Comment: This variant is considered benign. This variant is a silent/synonymous amino acid change and it is not expected to impact splicing.

Labcorp Genetics (formerly Invitae), Labcorp
Classification: Likely benign for Familial adenomatous polyposis 1. Last evaluated: 2024-03-06. Review status: criteria provided, single submitter. Criteria: Invitae Variant Classification Sherloc (09022015). Collection method: clinical testing. Allele origin: germline.

Ambry Genetics
Classification: Likely benign for Hereditary cancer-predisposing syndrome. Last evaluated: 2020-02-09. Review status: criteria provided, single submitter. Criteria: Ambry Variant Classification Scheme 2023. Collection method: clinical testing. Allele origin: germline.

PreventionGenetics, part of Exact Sciences
Classification: Likely benign for APC-related condition. Last evaluated: 2023-04-05. Review status: no assertion criteria provided. Collection method: clinical testing. Allele origin: germline. Not counted in ClinVar's aggregate classification.
Comment: This variant is classified as likely benign based on ACMG/AMP sequence variant interpretation guidelines (Richards et al. 2015 PMID: 25741868, with internal and published modifications).